The following is an entry in ClinVar:

NM_000548.5(TSC2):c.2098-5C>G

Gene: TSC2 (TSC complex subunit 2; plus strand). Cytogenetic location: 16p13.3.
Variant type: single nucleotide variant.
Coding change: c.2098-5C>G on transcript NM_000548.5 (MANE Select); 5 bases into the intron before coding-DNA position 2098, C replaced by G.
Molecular consequence: intron variant.
Genome position (GRCh38, 1-based): chr16:2,072,236, C>G. VCF-style: chr16-2072236-C-G. GRCh37 (hg19) VCF-style: chr16-2122237-C-G.
Other names: c.2098-5C>G (NM_001114382.3, NM_021055.3, NM_001370405.1 and 3 more transcripts); c.1987-5C>G (NM_001318827.2); c.1498-5C>G (NM_001318831.2); c.1951-5C>G (NM_001318829.2); c.2131-5C>G (NM_001318832.2).
Identifiers: ClinVar variation 232992 (VCV000232992.21), dbSNP rs369072310, ClinGen allele CA036619.

ClinVar aggregate classification (germline): Conflicting classifications of pathogenicity. Review status: criteria provided, conflicting classifications (1 of 4 stars). 7 submissions from 7 submitters: Uncertain significance (2); Likely benign (5). Last evaluated 2026-01-26.

Conditions:
Hereditary cancer-predisposing syndrome. Also called: Hereditary Cancer Syndrome; Neoplastic Syndromes, Hereditary; Tumor predisposition; Hereditary neoplastic syndrome. Identifiers: Orphanet 140162, MedGen C0027672, MeSH D009386, MONDO:0015356.
Tuberous sclerosis syndrome (TSC). Also called: Tuberous sclerosis; Tuberous Sclerosis Complex. Identifiers: Orphanet 805, MedGen C0041341, MONDO:0001734.
Tuberous sclerosis 2 (TSC2). Identifiers: Orphanet 805, MedGen C1860707, MONDO:0013199, OMIM 613254.

Allele frequency attached by ClinVar (database versions not stated): TOPMed 0.00001; ESP Exome Variant Server 0.00008.
gnomAD v4.1: 6 of 1,613,876 alleles (0.00037%); highest among the groups gnomAD compares: Non-Finnish European, 0.00051%; no homozygotes.

Submissions (7):

Labcorp Genetics (formerly Invitae), Labcorp
Classification: Likely benign for Tuberous sclerosis 2. Last evaluated: 2026-01-26. Review status: criteria provided, single submitter. Criteria: Invitae Variant Classification Sherloc (09022015). Collection method: clinical testing. Allele origin: germline.

Color Diagnostics, LLC DBA Color Health
Classification: Uncertain significance for Tuberous sclerosis syndrome. Last evaluated: 2025-06-24. Review status: criteria provided, single submitter. Criteria: ACMG Guidelines, 2015. Collection method: clinical testing. Allele origin: germline.
Comment: This variant causes a C to G nucleotide substitution at the -5 position of intron 19 of the TSC2 gene. Splice site prediction tools suggest that this variant may not impact RNA splicing. To our knowledge, functional studies have not been reported for this variant. This variant has not been reported in individuals affected with TSC2-related disorders in the literature. This variant has been identified in 3/251036 chromosomes in the general population by the Genome Aggregation Database (gnomAD). The available evidence is insufficient to determine the role of this variant in disease conclusively. Therefore, this variant is classified as a Variant of Uncertain Significance.

All of Us Research Program, National Institutes of Health
Classification: Uncertain significance for Tuberous sclerosis syndrome. Last evaluated: 2023-08-15. Review status: criteria provided, single submitter. Criteria: ACMG Guidelines, 2015. Collection method: clinical testing. Allele origin: germline. Inheritance: Autosomal dominant inheritance. Observed: 3 variant alleles, 3 heterozygotes.
Comment: This variant causes a C to G nucleotide substitution at the -5 position of intron 19 of the TSC2 gene. Splice site prediction tools suggest that this variant may not impact RNA splicing. To our knowledge, functional studies have not been reported for this variant. This variant has not been reported in individuals affected with TSC2-related disorders in the literature. This variant has been identified in 3/251036 chromosomes in the general population by the Genome Aggregation Database (gnomAD). The available evidence is insufficient to determine the role of this variant in disease conclusively. Therefore, this variant is classified as a Variant of Uncertain Significance.

This study involves interpretation of variants in research participants for the purpose of population health screening. Participant phenotype was not available at the time of variant classification. Additional details can be found in publication PMID: 35346344, PMCID: PMC8962531

Ambry Genetics
Classification: Likely benign for Hereditary cancer-predisposing syndrome. Last evaluated: 2022-02-16. Review status: criteria provided, single submitter. Criteria: Ambry Variant Classification Scheme 2023. Collection method: clinical testing. Allele origin: germline.

Sema4
Classification: Likely benign for Hereditary cancer-predisposing syndrome. Last evaluated: 2021-11-29. Review status: criteria provided, single submitter. Criteria: Sema4 Curation Guidelines. Collection method: curation. Allele origin: germline.

Genome-Nilou Lab
Classification: Likely benign for Tuberous sclerosis 2. Last evaluated: 2021-11-07. Review status: criteria provided, single submitter. Criteria: ACMG Guidelines, 2015. Collection method: clinical testing. Allele origin: germline. Affected: no.

GeneDx
Classification: Likely benign. Last evaluated: 2018-05-28. Review status: criteria provided, single submitter. Criteria: GeneDx Variant Classification (06012015). Collection method: clinical testing. Allele origin: germline. Affected: yes.
Comment: This variant is considered likely benign or benign based on one or more of the following criteria: it is a conservative change, it occurs at a poorly conserved position in the protein, it is predicted to be benign by multiple in silico algorithms, and/or has population frequency not consistent with disease.